The following continues an entry in ClinVar:

NM_139027.6(ADAMTS13):c.3178C>T (p.Arg1060Trp)

Gene: ADAMTS13. ClinVar aggregate classification (germline): Pathogenic/Likely pathogenic. Pathogenic (13); Likely pathogenic (11).

Submissions 11 to 26 of 26:

Versiti Diagnostic Laboratories, Versiti, Inc
Classification: Pathogenic for Upshaw-Schulman syndrome. Last evaluated: 2024-04-10. Review status: criteria provided, single submitter. Criteria: Versiti Assertion Criteria. Collection method: clinical testing. Allele origin: germline. Affected: yes.
Comment: The missense variant ADAMTS13 c.3178C>T, p.Arg1060Trp (p.R1060W) in exon 24 changes amino acid arginine at codon 1060 to tryptophan. The arginine at this residue is moderately conserved among species. This amino acid is in a C-terminal TSP1 repeat, a region thought to inhibit platelet adhesion and aggregation or thrombus formation. Pathogenic variants in ADAMTS13 are associated with autosomal recessive congenital ADAMTS13 deficiency (also known as familial/inherited thrombotic thrombocytopenic purpura (TTP) and Upshaw-Schulman syndrome) characterized by increased risk of life-threatening thrombotic microangiopathy (thrombocytopenia, microangiopathic hemolytic anemia, microvascular thrombosis and organ dysfunction). This sequence variant has been previously reported in multiple patients and families with adult onset thrombotic thrombocytopenic purpura (TTP) (PMID:16807643; PMID:16796708; PMID:18031293). This variant was observed in 30 patients within our laboratory cohort; 3 patients were homozygous for this variant while 22 patients were compound heterozygotes for this variant and another ADAMTS13 variant classified by our laboratory as likely pathogenic (LP) or pathogenic (P). All 3 patients who were homozygous for this particular variant had a documented ADAMTS13 activity of <5% with negative inhibitor and undetectable antibody. Of the 22 patients who were compound heterozygotes for this variant and another LP/P variant, we received ADAMTS13 activity level and inhibitor status for 17; 16 of these 17 patients had a documented ADAMTS13 activity level of <10% with negative inhibitor. The minor allele frequency of this variant in the general population is 0.0008318 with an elevated allele frequency of 0.001309 in the European (non-Finnish) population (GnomAD v2). Functional studies of the variant in mammalian cells demonstrated that this variant causes severe intracellular retention (<5% secretion) of the ADAMTS13 protein (PMID:18031293). In summary, the collective evidence supports ADAMTS13 c.3178C>T, p.Arg1060Trp as a pathogenic variant for congenital ADAMTS13 deficiency.

Clinical Genomics Laboratory, Washington University in St. Louis
Classification: Likely pathogenic for Upshaw-Schulman syndrome. Last evaluated: 2024-03-24. Review status: criteria provided, single submitter. Criteria: ACMG Guidelines, 2015. Collection method: clinical testing. Allele origin: germline. Affected: yes.
Comment: The ADAMTS13:c.3178C>T (p.Arg1060Trp) variant has been reported in individuals affected with congenital thrombotic thrombocytopenic purpura, a condition that can manifest in adult hood during pregnancy (Mariotte E et al., PMID: 27132698; de Vries PS et al., PMID: 25934476; Scully M et al., PMID: 24859360; Camilleri RS et al., PMID: 18031293; Joly BS et al., PMID: 30312976; Alwan F et al., PMID: 30770395; Moatti-Cohen M et al., PMID: 22547583, Donadelli et al., PMID: 17003922). The ADAMTS13:c.3178C>T (p.Arg1060Trp) variant has been reported in the ClinVar database as pathogenic/likely pathogenic by 14 submitters (Variation ID: 68815). Computational predictors are uncertain as to the impact of this variant on ADAMTS13 function. Functional in vitro studies show that this variant causes intracellular retention and impaired synthesis of ADAMTS13, indicating that this variant impacts protein function (Camilleri RS et al., PMID: 18031293; Tao Z et al., PMID: 16796708; Joly BS et al., PMID: 30312976, Donadelli et al., PMID: 17003922). Based on available information, and based on ACMG/AMP guidelines for variant interpretation (Richards S et al., PMID: 25741868), this variant is classified as likely pathogenic.

Genetic Services Laboratory, University of Chicago
Classification: Likely pathogenic. Last evaluated: 2024-01-26. Review status: criteria provided, single submitter. Criteria: ACMG Guidelines, 2015. Collection method: clinical testing. Allele origin: germline. Affected: yes.
Comment: DNA sequence analysis of the ADAMTS13 gene demonstrated a sequence change, c.3178C>T, in exon 24 that results in an amino acid change, p.Arg1060Trp. The p.Arg1060Trp change affects a moderately conserved amino acid residue located in a domain of the ADAMTS13 protein that is known to be functional. In-silico pathogenicity prediction tools (SIFT, PolyPhen2, Align GVGD, REVEL) provide contradictory results for the p.Arg1060Trp substitution. This amino acid change has been described in the literature in several individuals with thrombotic thrombocytopenia purpura (PMID: 16807643, 18031293, 16796708, 22529288). Functional studies indicate that this sequence change significantly reduced enzyme activity and secretion (PMID: 18031293, 29554699). This sequence change has been described in the gnomAD database with a frequency of 0.11% in the overall population (dbSNP rs142572218). The p.Arg1060Trp amino acid change occurs in a region of the ADAMTS13 gene where other missense sequence changes have been described in individuals with ADAMTS13-related disorders. These collective evidences indicate that this sequence change is likely pathogenic.

Institute of Human Genetics Munich, TUM University Hospital
Classification: Pathogenic for Upshaw-Schulman syndrome. Last evaluated: 2023-08-16. Review status: criteria provided, single submitter. Criteria: Classification criteria August 2017. Collection method: clinical testing. Allele origin: germline. Inheritance: Autosomal recessive inheritance. Affected: yes. Observed: 1 variant allele.

Institute of Medical Genetics and Applied Genomics, University Hospital Tübingen
Classification: Likely pathogenic for Upshaw-Schulman syndrome. Last evaluated: 2022-12-20. Review status: criteria provided, single submitter. Criteria: ACMG Guidelines, 2015. Collection method: clinical testing. Allele origin: germline. Inheritance: Autosomal recessive inheritance. Affected: yes.

Women's Health and Genetics/Laboratory Corporation of America, LabCorp
Classification: Pathogenic for Thrombotic thrombocytopenic purpura. Last evaluated: 2022-11-15. Review status: criteria provided, single submitter. Criteria: LabCorp Variant Classification Summary - May 2015. Collection method: clinical testing. Allele origin: germline.
Comment: Variant summary: ADAMTS13 c.3178C>T (p.Arg1060Trp) results in a non-conservative amino acid change located in the Thrombospondin type-1 (TSP1) repeat (IPR000884) of the encoded protein sequence. Three of five in-silico tools predict a damaging effect of the variant on protein function. The variant allele was found at a frequency of 0.00083 in 245122 control chromosomes (gnomAD). c.3178C>T has been reported in the literature in multiple homozygous and compound heterozygous individuals affected with Thrombotic Thrombocytopenic Purpura (e.g. Donadelli_2006, Tao_2006, Camilleri_2008, Scully_2014, Hassenpflug_2018, van Dorland_2019). These data indicate that the variant is very likely to be associated with disease. Experimental evidence evaluating an impact on protein function demonstrated the variant results in reduced protein secretion and activity (e.g. Tao_2006, Camilleri_2008, Rurali_2015, Hassenpflug_2018, van Dorland_2019). Nine ClinVar submitters (evaluation after 2014) cite the variant as pathogenic/likely pathogenic and one ClinVar submitter (evaluation after 2014) cites it as uncertain significance. Based on the evidence outlined above, the variant was classified as pathogenic.

Genetics and Molecular Pathology, SA Pathology
Classification: Pathogenic for Upshaw-Schulman syndrome. Last evaluated: 2022-07-27. Review status: criteria provided, single submitter. Criteria: ACMG Guidelines, 2015. Collection method: clinical testing. Allele origin: germline. Inheritance: Autosomal recessive inheritance. Affected: yes.

AiLife Diagnostics
Classification: Likely pathogenic. Last evaluated: 2022-03-30. Review status: criteria provided, single submitter. Criteria: ACMG Guidelines, 2015. Collection method: clinical testing. Allele origin: germline. Affected: yes. Observed: 3 variant alleles.

Greenwood Genetic Center Diagnostic Laboratories, Greenwood Genetic Center
Classification: Likely pathogenic for Upshaw-Schulman syndrome. Last evaluated: 2021-07-13. Review status: criteria provided, single submitter. Criteria: ACMG Guidelines, 2015. Collection method: clinical testing. Allele origin: germline. Affected: yes.
Comment: PS3, PP1, PP3, PM3

Fulgent Genetics
Classification: Likely pathogenic for Upshaw-Schulman syndrome. Last evaluated: 2021-06-30. Review status: criteria provided, single submitter. Criteria: ACMG Guidelines, 2015. Collection method: clinical testing. Allele origin: unknown.
Comment: This variant has been detected in individual(s) who were sent for testing of Renasight - kidney gene panel.

ISTH-SSC Genomics in Thrombosis and Hemostasis, KU Leuven, Center for Molecular and Vascular Biology
Classification: Likely pathogenic for Upshaw-Schulman syndrome. Last evaluated: 2020-01-01. Review status: criteria provided, single submitter. Criteria: ACMG Guidelines, 2015. Collection method: clinical testing. Allele origin: unknown. Affected: yes.
Comment: Submitted to GoldVariant by Kathleen Freson, Center for Molecular and Vascular Biology, Leuven, Belgium

Revvity Omics, Revvity
Classification: Likely pathogenic for Upshaw-Schulman syndrome. Last evaluated: 2019-12-20. Review status: criteria provided, single submitter. Criteria: ACMG Guidelines, 2015. Collection method: clinical testing. Allele origin: germline.

Illumina Laboratory Services, Illumina
Classification: Pathogenic for Upshaw-Schulman syndrome. Last evaluated: 2018-10-10. Review status: criteria provided, single submitter. Criteria: ICSL Variant Classification Criteria 09 May 2019. Collection method: clinical testing. Allele origin: germline.
Comment: Across a selection of available literature, the c.3178C>T (p.Arg1060Trp) missense variant has been identified in at least five individuals in a homozygous state, five individuals in a compound heterozygous state, and five individuals in a heterozygous state, all affected with congenital or adult-onset familial thrombotic thrombocytopenia purpura (TTP) (Schneppenheim et al. 2006; Tao et al. 2006; Camilleri et al. 2008; Lotta et al. 2012). Camilleri et al. (2008) showed the variant segregated with disease in one family. The p.Arg1060Trp variant was absent from at least 199 healthy control subjects but is reported at a frequency of 0.002982 in the European population of the 1000 Genomes Project (Tao et al. 2006; Lotta et al. 2012). In vitro analysis of the p. Arg1060Trp variant in HEK293T and Hela cells exhibited significantly reduced enzyme activity ranging from less than 5% to 11.4% of wild type enzyme activity (Schneppenheim et al. 2006; Tao et al. 2006; Camilleri et al. 2008; Lotta et al. 2012). In vitro flow assay evaluating cleavage under normal and static flow conditions found the p.Arg1060Trp variant had significantly reduced cleavage under static conditions but normal cleavage under normal flow conditions (Tao et al. 2006). Based on the evidence the p.Arg1060Trp variant is considered to be pathogenic for familial thrombotic thrombocytopenia purpura. This variant was observed by ICSL as part of a predisposition screen in an ostensibly healthy population.

Baylor Genetics
Classification: Pathogenic for Upshaw-Schulman syndrome. Review status: criteria provided, single submitter. Criteria: ACMG Guidelines, 2015. Collection method: clinical testing. Allele origin: unknown.

OMIM
Classification: Pathogenic for THROMBOTIC THROMBOCYTOPENIC PURPURA, HEREDITARY, ADULT-ONSET. Last evaluated: 2008-02-01. Review status: no assertion criteria provided. Collection method: literature only. Allele origin: germline. Not counted in ClinVar's aggregate classification.

UniProtKB/Swiss-Prot
No classification provided. Review status: no classification provided. Collection method: not provided. Allele origin: not provided. Not counted in ClinVar's aggregate classification.

Literature cited by the submitters: PubMed 26822222 (cited by Dasa); PubMed 22783805 (cited by Dasa); PubMed 18031293 (cited by 9 submitters); PubMed 29554699 (cited by 5 submitters); PubMed 16796708 (cited by 6 submitters); PubMed 16807643 (cited by 5 submitters); PubMed 17003922 (cited by Labcorp Genetics (formerly Invitae), Labcorp and Women's Health and Genetics/Laboratory Corporation of America, LabCorp); PubMed 22547583 (cited by Labcorp Genetics (formerly Invitae), Labcorp and Mayo Clinic Laboratories, Mayo Clinic); PubMed 26352112 (cited by 3 submitters); PubMed 30792199 (cited by 6 submitters); PubMed 22529288 (cited by 3 submitters); PubMed 23346910 (cited by Mayo Clinic Laboratories, Mayo Clinic and AiLife Diagnostics); PubMed 24859360 (cited by Mayo Clinic Laboratories, Mayo Clinic and Women's Health and Genetics/Laboratory Corporation of America, LabCorp); PubMed 25934476 (cited by Mayo Clinic Laboratories, Mayo Clinic and AiLife Diagnostics); PubMed 26139087 (cited by Mayo Clinic Laboratories, Mayo Clinic and AiLife Diagnostics); PubMed 26342041 (cited by Mayo Clinic Laboratories, Mayo Clinic and Women's Health and Genetics/Laboratory Corporation of America, LabCorp); PubMed 28382967 (cited by Mayo Clinic Laboratories, Mayo Clinic); PubMed 30312976 (cited by Mayo Clinic Laboratories, Mayo Clinic and OMIM); PubMed 38039511 (cited by Mayo Clinic Laboratories, Mayo Clinic); PubMed 38935915 (cited by Mayo Clinic Laboratories, Mayo Clinic); PubMed 31980526 (cited by AiLife Diagnostics); PubMed 34355501 (cited by ISTH-SSC Genomics in Thrombosis and Hemostasis, KU Leuven, Center for Molecular and Vascular Biology); PubMed 26566785 (cited by OMIM); PubMed 31971692 (cited by OMIM).